The following is an entry in ClinVar:

NM_130837.3(OPA1):c.1149+5G>A

Gene: OPA1 (OPA1 mitochondrial dynamin like GTPase; plus strand). Cytogenetic location: 3q29.
Variant type: single nucleotide variant.
Coding change: c.1149+5G>A on transcript NM_130837.3 (MANE Select); 5 bases into the intron after coding-DNA position 1149, G replaced by A.
Molecular consequence: intron variant.
Genome position (GRCh38, 1-based): chr3:193,638,070, G>A. VCF-style: chr3-193638070-G-A. GRCh37 (hg19) VCF-style: chr3-193355859-G-A.
Other names: c.612+5G>A (NM_001354664.2); c.615+5G>A (NM_001354663.2); c.1038+5G>A (NM_130834.3); c.1095+5G>A (NM_130836.3); c.984+5G>A (NM_015560.3); c.1041+5G>A (NM_130835.3); c.930+5G>A (NM_130832.3); c.987+5G>A (NM_130833.3); and 1 more.
Identifiers: ClinVar variation 2812046 (VCV002812046.4), dbSNP rs2474818376, ClinGen allele CA2669102930.
Genomic context (GRCh38, chr3:193,638,070, plus strand): 5'-AAGCTCGAATATTCCCAAGAGGATCTGGGGAGATGATGACACGTTCTCCAGTTAAGGTAA[G>A]AACATAGGCCGTCTCAGTGAGGTTCCTTAGGAGAGTAACTGCTTCAGTGAGACCTGTTCA-3'

ClinVar aggregate classification (germline): Uncertain significance. Review status: criteria provided, multiple submitters, no conflicts (2 of 4 stars). 2 submissions from 2 submitters: Uncertain significance (2). Last evaluated 2024-10-21.

Allele frequency attached by ClinVar (database versions not stated): gnomAD exomes below 0.00001.
gnomAD v4.1: 1 of 1,604,822 alleles (0.000062%); highest among the groups gnomAD compares: Middle Eastern, 0.017%; no homozygotes.

Submissions (2):

Labcorp Genetics (formerly Invitae), Labcorp
Classification: Uncertain significance. Last evaluated: 2024-10-21. Review status: criteria provided, single submitter. Criteria: Invitae Variant Classification Sherloc (09022015). Collection method: clinical testing. Allele origin: germline.
Comment: This sequence change falls in intron 9 of the OPA1 gene. It does not directly change the encoded amino acid sequence of the OPA1 protein. It affects a nucleotide within the consensus splice site. This variant is not present in population databases (gnomAD no frequency). This variant has not been reported in the literature in individuals affected with OPA1-related conditions. Variants that disrupt the consensus splice site are a relatively common cause of aberrant splicing (PMID: 17576681, 9536098). Algorithms developed to predict the effect of sequence changes on RNA splicing suggest that this variant is not likely to affect RNA splicing. In summary, the available evidence is currently insufficient to determine the role of this variant in disease. Therefore, it has been classified as a Variant of Uncertain Significance.

Blueprint Genetics
Classification: Uncertain significance. Last evaluated: 2022-11-17. Review status: criteria provided, single submitter. Criteria: ACMG Guidelines, 2015. Collection method: clinical testing. Allele origin: germline.

Literature cited by the submitters: PubMed 17576681 (cited by Labcorp Genetics (formerly Invitae), Labcorp); PubMed 9536098 (cited by Labcorp Genetics (formerly Invitae), Labcorp).